The following is an entry in ClinVar:

ClinVar aggregate classification (germline): Likely benign. Review status: criteria provided, single submitter (1 of 4 stars). 2 submissions from 2 submitters: Likely benign (1). 1 of the submissions does not count toward it. Last evaluated 2025-12-23.

Conditions:
FAT1-related disorder. Also called: FAT1-related condition.

Allele frequency attached by ClinVar (database versions not stated): ExAC 0.00002; gnomAD exomes 0.00005 and 0.00012; TOPMed 0.00006; gnomAD 0.00008 and 0.00009.
gnomAD v4.1: 190 of 1,613,120 alleles (0.012%); highest among the groups gnomAD compares: Non-Finnish European, 0.014%; no homozygotes.

Submissions (2):

Labcorp Genetics (formerly Invitae), Labcorp
Classification: Likely benign. Last evaluated: 2025-12-23. Review status: criteria provided, single submitter. Criteria: Invitae Variant Classification Sherloc (09022015). Collection method: clinical testing. Allele origin: germline.

PreventionGenetics, part of Exact Sciences
Classification: Likely benign for FAT1-related condition. Last evaluated: 2019-03-08. Review status: no assertion criteria provided. Collection method: clinical testing. Allele origin: germline. Not counted in ClinVar's aggregate classification.
Comment: This variant is classified as likely benign based on ACMG/AMP sequence variant interpretation guidelines (Richards et al. 2015 PMID: 25741868, with internal and published modifications).

NM_005245.4(FAT1):c.5523T>C (p.Ser1841=)

Gene: FAT1 (FAT atypical cadherin 1; minus strand). Cytogenetic location: 4q35.2.
Variant type: single nucleotide variant.
Coding change: c.5523T>C on transcript NM_005245.4 (MANE Select); coding-DNA position 5523, T replaced by C.
Protein change: p.Ser1841=; no amino-acid change (serine 1841 retained).
Molecular consequence: synonymous variant.
Genome position (GRCh38, 1-based): chr4:186,621,063, A>G on the plus strand (T>C on the coding strand, the complement: FAT1 is on the minus strand). VCF-style: chr4-186621063-A-G. GRCh37 (hg19) VCF-style: chr4-187542217-A-G.
Identifiers: ClinVar variation 745647 (VCV000745647.6), dbSNP rs772055287, ClinGen allele CA3166444.